The following is an entry in ClinVar:

NM_001061.7(TBXAS1):c.623C>G (p.Pro208Arg)

Gene: TBXAS1 (thromboxane A synthase 1; plus strand). Cytogenetic location: 7q34.
Variant type: single nucleotide variant.
Coding change: c.623C>G on transcript NM_001061.7 (MANE Select); coding-DNA position 623, C replaced by G.
Protein change: p.Pro208Arg; replaces proline 208 with arginine.
Molecular consequence: missense variant.
Genome position (GRCh38, 1-based): chr7:139,955,542, C>G. VCF-style: chr7-139955542-C-G. GRCh37 (hg19) VCF-style: chr7-139655341-C-G.
Other names: c.623C>G, p.Pro208Arg (NM_001130966.5, NM_030984.6); c.761C>G, p.Pro254Arg (NM_001166253.4); c.422C>G, p.Pro141Arg (NM_001166254.4); c.566C>G, p.Pro189Arg (NM_001314028.4); c.440C>G, p.Pro147Arg (NM_001366537.3); c.626C>G (NM_001061.4); short protein forms P141R, P254R, P208R, P147R, P189R.
Identifiers: ClinVar variation 593786 (VCV000593786.20), dbSNP rs137946697, ClinGen allele CA4511736.
Genomic context (GRCh38, chr7:139,955,542, plus strand): 5'-ATGTGGTTGCCAGCGTCGCCTTTGGCACCCCGGTGGACTCCTGGCAGGCCCCTGAGGATC[C>G]CTTTGTGAAACACTGCAAGCGTTTCTTCGAATTCTGCATCCCCAGACCTATCCTGGTTTT-3'
Protein context (NP_001052.3, residues 198-218): PVDSWQAPED[Pro208Arg]FVKHCKRFFE

ClinVar aggregate classification (germline): Conflicting classifications of pathogenicity. Review status: criteria provided, conflicting classifications (1 of 4 stars). 7 submissions from 7 submitters: Uncertain significance (4); Likely benign (1). 2 of the submissions do not count toward it. Last evaluated 2026-02-27.

Conditions:
Inborn genetic diseases. Identifiers: MedGen C0950123, MeSH D030342.

Allele frequency attached by ClinVar (database versions not stated): gnomAD 0.00045; TOPMed 0.00024; ExAC 0.00032; ESP Exome Variant Server 0.00046.
gnomAD v4.1: 516 of 1,614,206 alleles (0.032%); highest among the groups gnomAD compares: Admixed American, 0.047%; no homozygotes.

Submissions (7):

Women's Health and Genetics/Laboratory Corporation of America, LabCorp
Classification: Uncertain significance. Last evaluated: 2026-02-27. Review status: criteria provided, single submitter. Criteria: LabCorp Variant Classification Summary - May 2015. Collection method: clinical testing. Allele origin: germline.
Comment: Variant summary: TBXAS1 c.623C>G (p.Pro208Arg) results in a non-conservative amino acid change in the encoded protein sequence. Algorithms developed to predict the effect of missense changes on protein structure and function all suggest that this variant is likely to be disruptive. The variant allele was found at a frequency of 0.00036 in 251476 control chromosomes, predominantly at a frequency of 0.00058 within the Latino subpopulation in the gnomAD database. This frequency is not significantly higher than estimated for disease-causing variants in TBXAS1, allowing no conclusion about variant significance. To our knowledge, no occurrence of c.623C>G in individuals affected with TBXAS1-related conditions and no experimental evidence demonstrating its impact on protein function have been reported. ClinVar contains an entry for this variant (Variation ID: 593786). Based on the evidence outlined above, the variant was classified as uncertain significance.

Labcorp Genetics (formerly Invitae), Labcorp
Classification: Likely benign. Last evaluated: 2025-09-22. Review status: criteria provided, single submitter. Criteria: Invitae Variant Classification Sherloc (09022015). Collection method: clinical testing. Allele origin: germline.

Ambry Genetics
Classification: Uncertain significance for Inborn genetic diseases. Last evaluated: 2025-05-19. Review status: criteria provided, single submitter. Criteria: Ambry Variant Classification Scheme 2023. Collection method: clinical testing. Allele origin: germline.

Blueprint Genetics
Classification: Uncertain significance. Last evaluated: 2024-11-14. Review status: criteria provided, single submitter. Criteria: ACMG Guidelines, 2015. Collection method: clinical testing. Allele origin: germline.

Eurofins Ntd Llc (ga)
Classification: Uncertain significance. Last evaluated: 2017-09-07. Review status: criteria provided, single submitter. Criteria: EGL Classification Definitions 2015. Collection method: clinical testing. Allele origin: germline. Observed: 1 variant allele, 1 heterozygote.

Clinical Genetics DNA and cytogenetics Diagnostics Lab, Erasmus MC, Erasmus Medical Center
Classification: Uncertain significance. Review status: no assertion criteria provided. Collection method: clinical testing. Allele origin: germline. Affected: yes. Study: VKGL Data-share Consensus. Not counted in ClinVar's aggregate classification.

Joint Genome Diagnostic Labs from Nijmegen and Maastricht, Radboudumc and MUMC+
Classification: Uncertain significance. Review status: no assertion criteria provided. Collection method: clinical testing. Allele origin: germline. Affected: yes. Study: VKGL Data-share Consensus. Not counted in ClinVar's aggregate classification.